The following is an entry in ClinVar:

ClinVar aggregate classification (germline): Uncertain significance. Review status: criteria provided, multiple submitters, no conflicts (2 of 4 stars). 2 submissions from 2 submitters: Uncertain significance (2). Last evaluated 2024-10-31.

Conditions:
MYO5B-related disorder. Also called: MYO5B-related condition.

Allele frequency attached by ClinVar (database versions not stated): gnomAD 0.00002; gnomAD exomes 0.00003.
gnomAD v4.1: 62 of 1,467,654 alleles (0.0042%); highest among the groups gnomAD compares: Non-Finnish European, 0.0051%; no homozygotes.

Submissions (2):

PreventionGenetics, part of Exact Sciences
Classification: Uncertain significance for MYO5B-related condition. Last evaluated: 2024-10-31. Review status: criteria provided, single submitter. Criteria: ACMG Guidelines, 2015. Collection method: clinical testing. Allele origin: germline.
Comment: The MYO5B c.22A>T variant is predicted to result in the amino acid substitution p.Ser8Cys. To our knowledge, this variant has not been reported in the literature. This variant is reported in 0.0071% of alleles in individuals of European (Non-Finnish) descent in gnomAD. At this time, the clinical significance of this variant is uncertain due to the absence of conclusive functional and genetic evidence.

Labcorp Genetics (formerly Invitae), Labcorp
Classification: Uncertain significance. Last evaluated: 2022-03-16. Review status: criteria provided, single submitter. Criteria: Invitae Variant Classification Sherloc (09022015). Collection method: clinical testing. Allele origin: germline.
Comment: In summary, the available evidence is currently insufficient to determine the role of this variant in disease. Therefore, it has been classified as a Variant of Uncertain Significance. Algorithms developed to predict the effect of missense changes on protein structure and function (SIFT, PolyPhen-2, Align-GVGD) all suggest that this variant is likely to be tolerated. This variant has not been reported in the literature in individuals affected with MYO5B-related conditions. This variant is present in population databases (no rsID available, gnomAD 0.007%). This sequence change replaces serine, which is neutral and polar, with cysteine, which is neutral and slightly polar, at codon 8 of the MYO5B protein (p.Ser8Cys).

NM_001080467.3(MYO5B):c.22A>T (p.Ser8Cys)

Gene: MYO5B (myosin VB; minus strand). Cytogenetic location: 18q21.1.
Variant type: single nucleotide variant.
Coding change: c.22A>T on transcript NM_001080467.3 (MANE Select); coding-DNA position 22, A replaced by T.
Protein change: p.Ser8Cys; replaces serine 8 with cysteine.
Molecular consequence: missense variant.
Genome position (GRCh38, 1-based): chr18:50,194,772, T>A on the plus strand (A>T on the coding strand, the complement: MYO5B is on the minus strand). VCF-style: chr18-50194772-T-A. GRCh37 (hg19) VCF-style: chr18-47721142-T-A.
Other names: c.22A>T (NM_001080467.2); short protein forms S8C.
Identifiers: ClinVar variation 1423825 (VCV001423825.8), dbSNP rs1161647893, ClinGen allele CA402439678.